The following is an entry in ClinVar:

ClinVar aggregate classification (germline): Uncertain significance (1 of 4 stars; one submission).

Conditions:
Familial cold autoinflammatory syndrome 3 (FCAS3). Also called: FAMILIAL ATYPICAL COLD URTICARIA; ANTIBODY DEFICIENCY AND IMMUNE DYSREGULATION, PLCG2-ASSOCIATED. Identifiers: Orphanet 300359, MedGen C3280914, MONDO:0013766, OMIM 614468.

Submission:

Labcorp Genetics (formerly Invitae), Labcorp
Classification: Uncertain significance for Familial cold autoinflammatory syndrome 3. Last evaluated: 2022-02-22. Review status: criteria provided, single submitter. Criteria: Invitae Variant Classification Sherloc (09022015). Collection method: clinical testing. Allele origin: germline.
Comment: This variant is not present in population databases (gnomAD no frequency). Algorithms developed to predict the effect of missense changes on protein structure and function (SIFT, PolyPhen-2, Align-GVGD) all suggest that this variant is likely to be tolerated. This variant has not been reported in the literature in individuals affected with PLCG2-related conditions. This sequence change replaces aspartic acid, which is acidic and polar, with glutamic acid, which is acidic and polar, at codon 488 of the PLCG2 protein (p.Asp488Glu). In summary, the available evidence is currently insufficient to determine the role of this variant in disease. Therefore, it has been classified as a Variant of Uncertain Significance.

NM_002661.5(PLCG2):c.1464C>A (p.Asp488Glu)

Gene: PLCG2 (phospholipase C gamma 2; plus strand). Cytogenetic location: 16q23.3.
Variant type: single nucleotide variant.
Coding change: c.1464C>A on transcript NM_002661.5 (MANE Select); coding-DNA position 1464, C replaced by A.
Protein change: p.Asp488Glu; replaces aspartic acid 488 with glutamic acid.
Molecular consequence: missense variant.
Genome position (GRCh38, 1-based): chr16:81,905,504, C>A. VCF-style: chr16-81905504-C-A. GRCh37 (hg19) VCF-style: chr16-81939109-C-A.
Other names: short protein forms D488E.
Identifiers: ClinVar variation 2101741 (VCV002101741.4), dbSNP rs777149251, ClinGen allele CA396899806.